The following is an entry in ClinVar:

ClinVar aggregate classification (germline): Uncertain significance (1 of 4 stars; one submission).

Conditions:
Congenital myasthenic syndrome 8. Also called: MYASTHENIC SYNDROME, CONGENITAL, DUE TO AGRIN DEFICIENCY; Myasthenic syndrome, congenital, 8, with pre- and postsynaptic defects. Identifiers: Orphanet 590, MedGen C3808739, MONDO:0014052, OMIM 615120.

gnomAD v4.1: 8 of 1,613,368 alleles (0.0005%); highest among the groups gnomAD compares: Non-Finnish European, 0.00068%; no homozygotes.

Submission:

Labcorp Genetics (formerly Invitae), Labcorp
Classification: Uncertain significance for Congenital myasthenic syndrome 8. Last evaluated: 2022-10-17. Review status: criteria provided, single submitter. Criteria: Invitae Variant Classification Sherloc (09022015). Collection method: clinical testing. Allele origin: germline.
Comment: This sequence change replaces alanine, which is neutral and non-polar, with valine, which is neutral and non-polar, at codon 120 of the AGRN protein (p.Ala120Val). This variant is not present in population databases (gnomAD no frequency). This variant has not been reported in the literature in individuals affected with AGRN-related conditions. Algorithms developed to predict the effect of missense changes on protein structure and function are either unavailable or do not agree on the potential impact of this missense change (SIFT: "Deleterious"; PolyPhen-2: "Possibly Damaging"; Align-GVGD: "Class C0"). In summary, the available evidence is currently insufficient to determine the role of this variant in disease. Therefore, it has been classified as a Variant of Uncertain Significance.

NM_198576.4(AGRN):c.359C>T (p.Ala120Val)

Genes: AGRN (agrin; plus strand), LOC126805576 (P300/CBP strongly-dependent group 1 enhancer GRCh37_chr1:956772-957971; plus strand). Cytogenetic location: 1p36.33.
Variant type: single nucleotide variant.
Coding change: c.359C>T on transcript NM_198576.4 (MANE Select); coding-DNA position 359, C replaced by T.
Protein change: p.Ala120Val; replaces alanine 120 with valine.
Molecular consequence: missense variant.
Genome position (GRCh38, 1-based): chr1:1,022,358, C>T. VCF-style: chr1-1022358-C-T. GRCh37 (hg19) VCF-style: chr1-957738-C-T.
Other names: c.359C>T, p.Ala120Val (NM_001305275.2); short protein forms A120V.
Identifiers: ClinVar variation 1957623 (VCV001957623.5), dbSNP rs1644424943, ClinGen allele CA337813214.